The following is an entry in ClinVar:

NM_000492.4(CFTR):c.2885C>T (p.Ser962Leu)

Gene: CFTR (CF transmembrane conductance regulator; plus strand). Cytogenetic location: 7q31.2.
Variant type: single nucleotide variant.
Coding change: c.2885C>T on transcript NM_000492.4 (MANE Select); coding-DNA position 2885, C replaced by T.
Protein change: p.Ser962Leu; replaces serine 962 with leucine.
Molecular consequence: missense variant.
Genome position (GRCh38, 1-based): chr7:117,603,759, C>T. VCF-style: chr7-117603759-C-T. GRCh37 (hg19) VCF-style: chr7-117243813-C-T.
Other names: short protein forms S962L.
Identifiers: ClinVar variation 3832555 (VCV003832555.2).

ClinVar aggregate classification (germline): Uncertain significance. Review status: criteria provided, single submitter (1 of 4 stars). 2 submissions from 2 submitters: Uncertain significance (1). 1 of the submissions does not count toward it. Last evaluated 2024-12-20.

Conditions:
Cystic fibrosis (CF). Also called: MUCOVISCIDOSIS. Identifiers: Orphanet 586, MedGen C0010674, MONDO:0009061, OMIM 219700. Disease mechanism: loss of function.
CFTR-related disorder (CFTR-RD). Also called: CFTR-related disorders; CFTR-related condition. Identifiers: MedGen C5924204, MONDO:7770004.

Submissions (2):

Ambry Genetics
Classification: Uncertain significance for Cystic fibrosis. Last evaluated: 2024-12-20. Review status: criteria provided, single submitter. Criteria: Ambry Variant Classification Scheme 2023. Collection method: clinical testing. Allele origin: germline.
Comment: The p.S962L variant (also known as c.2885C>T), located in coding exon 17 of the CFTR gene, results from a C to T substitution at nucleotide position 2885. The serine at codon 962 is replaced by leucine, an amino acid with dissimilar properties. This amino acid position is conserved. In addition, this alteration is predicted to be deleterious by in silico analysis. Based on the available evidence, the clinical significance of this variant remains unclear.

Natera, Inc.
Classification: Uncertain significance for CFTR-related disorders. Last evaluated: 2025-04-21. Review status: no assertion criteria provided. Collection method: clinical testing. Allele origin: germline. Not counted in ClinVar's aggregate classification.